The following is an entry in ClinVar:

ClinVar aggregate classification (germline): Likely pathogenic (1 of 4 stars; one submission).

Submission:

Mayo Clinic Laboratories, Mayo Clinic
Classification: Likely pathogenic. Last evaluated: 2025-04-10. Review status: criteria provided, single submitter. Criteria: ACMG Guidelines, 2015. Collection method: clinical testing. Allele origin: germline. Observed: 1 variant allele.
Comment: PM2_supporting, PVS1

NM_013339.4(ALG6):c.196C>T (p.Gln66Ter)

Gene: ALG6 (ALG6 alpha-1,3-glucosyltransferase; plus strand). Cytogenetic location: 1p31.3.
Variant type: single nucleotide variant.
Coding change: c.196C>T on transcript NM_013339.4 (MANE Select); coding-DNA position 196, C replaced by T.
Protein change: p.Gln66Ter; replaces glutamine 66 with a stop codon.
Molecular consequence: nonsense.
Genome position (GRCh38, 1-based): chr1:63,402,282, C>T. VCF-style: chr1-63402282-C-T. GRCh37 (hg19) VCF-style: chr1-63867953-C-T.
Other names: p.Gln66*; short protein forms Q66*.
Identifiers: ClinVar variation 4541211 (VCV004541211.1).